The following is an entry in ClinVar:

NM_000536.4(RAG2):c.1090_1093del (p.Asn364fs)

Gene: RAG2 (recombination activating 2; minus strand). Cytogenetic location: 11p12.
Variant type: Deletion.
Coding change: c.1090_1093del on transcript NM_000536.4 (MANE Select); coding-DNA positions 1090 to 1093, 4 bases deleted (AACA; older notation c.1090_1093delAACA).
Protein change: p.Asn364fs; shifts the reading frame from asparagine 364.
Molecular consequence: frameshift variant.
Genome position (GRCh38, 1-based): chr11:36,593,076-36,593,079, TGTT deleted on the plus strand (AACA on the coding strand, the reverse complement: RAG2 is on the minus strand); deleting any 4 consecutive bases within chr11:36,593,076-36,593,082 gives the same sequence; the c. name uses the placement nearest the transcript's 3' end. VCF-style (leftmost placement, unchanged base first): chr11-36593075-CTGTT-C. GRCh37 (hg19) VCF-style: chr11-36614625-CTGTT-C.
Other names: c.1090_1093del, p.Asn364fs (NM_001243785.2, NM_001243786.2); short protein forms N364fs.
Identifiers: ClinVar variation 4814335 (VCV004814335.1).

ClinVar aggregate classification (germline): Likely pathogenic (1 of 4 stars; one submission).

Conditions:
Histiocytic medullary reticulosis. Also called: SEVERE COMBINED IMMUNODEFICIENCY WITH HYPEREOSINOPHILIA; Omenn syndrome. Identifiers: Orphanet 39041, MedGen C2700553, MONDO:0011338, OMIM 603554.

Submission:

Natera, Inc.
Classification: Likely pathogenic for Omenn syndrome. Last evaluated: 2025-08-20. Review status: criteria provided, single submitter. Criteria: Natera Variant Classification Schema (03/2026). Collection method: clinical testing. Allele origin: germline.
Comment: The c.1090_1093delAACA variant in RAG2 is a frameshift variant predicted to shift the reading frame beginning at codon 364 and leads to a stop codon 79 codons downstream. This variant is expected to result in nonsense mediated decay, truncation, or a dysfunctional protein product. This variant is rare in the general population with a frequency below the threshold expected for the associated phenotype(s). Given the available evidence, this variant is classified as Likely Pathogenic.